The following is an entry in ClinVar:

ClinVar aggregate classification (germline): Pathogenic. Review status: criteria provided, multiple submitters, no conflicts (2 of 4 stars). 3 submissions from 3 submitters: Pathogenic (2). 1 of the submissions does not count toward it. Last evaluated 2025-10-24.

Conditions:
Keratosis follicularis spinulosa decalvans, X-linked (KFSDX). Also called: KERATOSIS FOLLICULARIS SPINULOSA DECALVANS CUM OPHIASI. Identifiers: Orphanet 2340, MedGen C3887525, MONDO:0010637, OMIM 308800.

Allele frequency attached by ClinVar (database versions not stated): gnomAD exomes below 0.00001.
gnomAD v4.1: 1 of 1,211,835 alleles (0.000083%); highest among the groups gnomAD compares: African/African-American, 0.0017%; no homozygotes.

Submissions (3):

Labcorp Genetics (formerly Invitae), Labcorp
Classification: Pathogenic. Last evaluated: 2025-10-24. Review status: criteria provided, single submitter. Criteria: Invitae Variant Classification Sherloc (09022015). Collection method: clinical testing. Allele origin: germline.
Comment: This sequence change replaces asparagine, which is neutral and polar, with serine, which is neutral and polar, at codon 508 of the MBTPS2 protein (p.Asn508Ser). This variant is not present in population databases (gnomAD no frequency). This missense change has been observed in individuals with MBTPS2-related conditions (PMID: 20672378, 20854407). ClinVar contains an entry for this variant (Variation ID: 29956). Invitae Evidence Modeling of protein sequence and biophysical properties (such as structural, functional, and spatial information, amino acid conservation, physicochemical variation, residue mobility, and thermodynamic stability) has been performed for this missense variant. However, the output from this modeling did not meet the statistical confidence thresholds required to predict the impact of this variant on MBTPS2 protein function. Experimental studies have shown that this missense change affects MBTPS2 function (PMID: 33743732). For these reasons, this variant has been classified as Pathogenic.

GeneDx
Classification: Pathogenic. Last evaluated: 2024-06-06. Review status: criteria provided, single submitter. Criteria: GeneDx Variant Classification Process June 2021. Collection method: clinical testing. Allele origin: germline. Affected: yes.
Comment: Not observed at significant frequency in large population cohorts (gnomAD); In silico analysis supports that this missense variant has a deleterious effect on protein structure/function; This variant is associated with the following publications: (PMID: 20672378, 8745901, 23316014, 20854407)

OMIM
Classification: Pathogenic for KERATOSIS FOLLICULARIS SPINULOSA DECALVANS, X-LINKED. Last evaluated: 2013-04-01. Review status: no assertion criteria provided. Collection method: literature only. Allele origin: germline. Not counted in ClinVar's aggregate classification.

Literature cited by the submitters: PubMed 20672378 (cited by Labcorp Genetics (formerly Invitae), Labcorp and OMIM); PubMed 20854407 (cited by Labcorp Genetics (formerly Invitae), Labcorp); PubMed 33743732 (cited by Labcorp Genetics (formerly Invitae), Labcorp); PubMed 8745901 (cited by OMIM); PubMed 23316014 (cited by OMIM).

NM_015884.4(MBTPS2):c.1523A>G (p.Asn508Ser)

Gene: MBTPS2 (membrane bound transcription factor peptidase, site 2; plus strand). Cytogenetic location: Xp22.12.
Variant type: single nucleotide variant.
Coding change: c.1523A>G on transcript NM_015884.4 (MANE Select); coding-DNA position 1523, A replaced by G.
Protein change: p.Asn508Ser; replaces asparagine 508 with serine.
Molecular consequence: missense variant.
Genome position (GRCh38, 1-based): chrX:21,882,618, A>G. VCF-style: chrX-21882618-A-G. GRCh37 (hg19) VCF-style: chrX-21900736-A-G.
Other names: short protein forms N508S.
Identifiers: ClinVar variation 29956 (VCV000029956.5), dbSNP rs587776867, ClinGen allele CA128790.